The following is an entry in ClinVar:

NM_139058.3(ARX):c.336A>G (p.Ala112=)

Genes: ARX (aristaless related homeobox; minus strand), LOC109610631 (aristaless related homeobox polyalanine expansion region; plus strand). Cytogenetic location: Xp21.3.
Variant type: single nucleotide variant.
Coding change: c.336A>G on transcript NM_139058.3 (MANE Select); coding-DNA position 336, A replaced by G.
Protein change: p.Ala112=; no amino-acid change (alanine 112 retained).
Molecular consequence: synonymous variant.
Genome position (GRCh38, 1-based): chrX:25,013,659, T>C on the plus strand (A>G on the coding strand, the complement: ARX is on the minus strand). VCF-style: chrX-25013659-T-C. GRCh37 (hg19) VCF-style: chrX-25031776-T-C.
Identifiers: ClinVar variation 195403 (VCV000195403.53), dbSNP rs794727308, ClinGen allele CA241829.

ClinVar aggregate classification (germline): Conflicting classifications of pathogenicity. Review status: criteria provided, conflicting classifications (1 of 4 stars). 5 submissions from 5 submitters: Uncertain significance (1); Benign (1); Likely benign (3). Last evaluated 2026-01-12.

Conditions:
Developmental and epileptic encephalopathy, 1 (DEE1). Also called: Epileptic encephalopathy, early infantile, 1; X-linked infantile spasms; West's syndrome; Tonic spasms with clustering, arrest of psychomotor development and hypsarrhythmia on EEG; X-Linked Infantile Spasm Syndrome; OHTAHARA SYNDROME, X-LINKED. Identifiers: MedGen C3463992, MONDO:0010632, OMIM 308350. Disease mechanism: loss of function.
Intellectual disability, X-linked, with or without seizures, ARX-related. Also called: MENTAL RETARDATION, X-LINKED 29; MENTAL RETARDATION, X-LINKED 32; MENTAL RETARDATION, X-LINKED 33; MENTAL RETARDATION, X-LINKED 38; MENTAL RETARDATION, X-LINKED 43; MENTAL RETARDATION, X-LINKED 76. Identifiers: Orphanet 777, MedGen C0796244, MONDO:0010317, OMIM 300419.

Allele frequency attached by ClinVar (database versions not stated): TOPMed 0.00017; gnomAD 0.00022; gnomAD exomes 0.00029.
gnomAD v4.1: 208 of 770,716 alleles (0.027%); highest among the groups gnomAD compares: Non-Finnish European, 0.031%; no homozygotes.

Submissions (5):

Labcorp Genetics (formerly Invitae), Labcorp
Classification: Likely benign for Developmental and epileptic encephalopathy, 1; Intellectual disability, X-linked, with or without seizures, ARX-related. Last evaluated: 2026-01-12. Review status: criteria provided, single submitter. Criteria: Invitae Variant Classification Sherloc (09022015). Collection method: clinical testing. Allele origin: germline.

Blueprint Genetics
Classification: Likely benign. Last evaluated: 2024-11-26. Review status: criteria provided, single submitter. Criteria: ACMG Guidelines, 2015. Collection method: clinical testing. Allele origin: germline.

CeGaT Center for Human Genetics Tuebingen
Classification: Likely benign. Last evaluated: 2022-08-01. Review status: criteria provided, single submitter. Criteria: CeGaT Center For Human Genetics Tuebingen Variant Classification Criteria Version 2. Collection method: clinical testing. Allele origin: germline. Affected: yes. Observed: 1 variant allele.
Comment: ARX: BP4, BP7

Eurofins Ntd Llc (ga)
Classification: Uncertain significance. Last evaluated: 2016-04-29. Review status: criteria provided, single submitter. Criteria: EGL Classification Definitions 2015. Collection method: clinical testing. Allele origin: germline. Observed: 2 variant alleles, 1 heterozygote, 1 hemizygote.

GeneDx
Classification: Benign. Last evaluated: 2015-08-13. Review status: criteria provided, single submitter. Criteria: GeneDx Variant Classification Process June 2021. Collection method: clinical testing. Allele origin: germline. Affected: yes.